The following is an entry in ClinVar:

NM_052859.4(RFT1):c.343G>A (p.Val115Ile)

Gene: RFT1 (RFT1 glycolipid translocator homolog; minus strand). Cytogenetic location: 3p21.1.
Variant type: single nucleotide variant.
Coding change: c.343G>A on transcript NM_052859.4 (MANE Select); coding-DNA position 343, G replaced by A.
Protein change: p.Val115Ile; replaces valine 115 with isoleucine.
Molecular consequence: missense variant.
Genome position (GRCh38, 1-based): chr3:53,122,487, C>T on the plus strand (G>A on the coding strand, the complement: RFT1 is on the minus strand). VCF-style: chr3-53122487-C-T. GRCh37 (hg19) VCF-style: chr3-53156503-C-T.
Other names: short protein forms V115I.
Identifiers: ClinVar variation 1962078 (VCV001962078.5), dbSNP rs1007326612, ClinGen allele CA74813387.

ClinVar aggregate classification (germline): Uncertain significance (1 of 4 stars; one submission).

Conditions:
RFT1-congenital disorder of glycosylation (CDG1N). Also called: CDG In; Congenital disorder of glycosylation type In; RFT1-CDG. Identifiers: Orphanet 244310, MedGen C2677590, MONDO:0012783, OMIM 612015.

Submission:

Labcorp Genetics (formerly Invitae), Labcorp
Classification: Uncertain significance for RFT1-congenital disorder of glycosylation. Last evaluated: 2022-07-27. Review status: criteria provided, single submitter. Criteria: Invitae Variant Classification Sherloc (09022015). Collection method: clinical testing. Allele origin: germline.
Comment: In summary, the available evidence is currently insufficient to determine the role of this variant in disease. Therefore, it has been classified as a Variant of Uncertain Significance. Algorithms developed to predict the effect of missense changes on protein structure and function (SIFT, PolyPhen-2, Align-GVGD) all suggest that this variant is likely to be tolerated. This variant has not been reported in the literature in individuals affected with RFT1-related conditions. This variant is not present in population databases (gnomAD no frequency). This sequence change replaces valine, which is neutral and non-polar, with isoleucine, which is neutral and non-polar, at codon 115 of the RFT1 protein (p.Val115Ile).